The following is an entry in ClinVar:

NM_020631.6(PLEKHG5):c.30C>T (p.Asp10=)

Genes: PLEKHG5 (pleckstrin homology and RhoGEF domain containing G5; minus strand), LOC126805598 (MED14-independent group 3 enhancer GRCh37_chr1:6536823-6538022; plus strand). Cytogenetic location: 1p36.31.
Variant type: single nucleotide variant.
Coding change: c.30C>T on transcript NM_020631.6 (MANE Select); coding-DNA position 30, C replaced by T.
Protein change: p.Asp10=; no amino-acid change (aspartic acid 10 retained).
Molecular consequence: synonymous variant.
Genome position (GRCh38, 1-based): chr1:6,477,542, G>A on the plus strand (C>T on the coding strand, the complement: PLEKHG5 is on the minus strand). VCF-style: chr1-6477542-G-A. GRCh37 (hg19) VCF-style: chr1-6537602-G-A.
Other names: p.Asp10=; c.141C>T, p.Asp47= (NM_001042663.3, NM_001265592.2); c.30C>T, p.Asp10= (NM_001042664.2, NM_001042665.2, NM_001265594.3 and 1 more transcripts); c.237C>T, p.Asp79= (NM_001265593.2); c.30C>T (NM_020631.5).
Identifiers: ClinVar variation 297979 (VCV000297979.64), dbSNP rs114209691, ClinGen allele CA562040.
Genomic context (GRCh38, chr1:6,477,542, plus strand): 5'-GACACAGGAGCTCTGGGGGCCGAGCTGCGGCTCCCGCCTGTGCTCACCTTGTGGGGGAAG[G>A]TCGAAGCGGACATGCCCATCATAATGCATGGTGCTGTGGAACTTGCTGTCACAGGCCTCG-3'
Protein context (NP_065682.2, residues 1-20): MHYDGHVRF[Asp10=]LPPQGSVLAR

ClinVar aggregate classification (germline): Benign/Likely benign. Review status: criteria provided, multiple submitters, no conflicts (2 of 4 stars). 7 submissions from 7 submitters: Benign (6); Likely benign (1). Last evaluated 2026-02-04.

Conditions:
Inborn genetic diseases. Identifiers: MedGen C0950123, MeSH D030342.
Neuronopathy, distal hereditary motor, autosomal recessive 4. Also called: Autosomal recessive lower motor neuron disease with childhood onset; NEUROPATHY, DISTAL HEREDITARY MOTOR, AUTOSOMAL RECESSIVE 4. Identifiers: Orphanet 206580, MedGen C1970211, MONDO:0012608, OMIM 611067.
Charcot-Marie-Tooth disease recessive intermediate C. Also called: CHARCOT-MARIE-TOOTH NEUROPATHY, RECESSIVE INTERMEDIATE C. Identifiers: Orphanet 369867, MedGen C3809309, MONDO:0014154, OMIM 615376.

Allele frequency attached by ClinVar (database versions not stated): gnomAD exomes 0.00080 and 0.00208; ExAC 0.00248; gnomAD 0.00779 and 0.00830; TOPMed 0.00870; 1000 Genomes Project 0.00879; ESP Exome Variant Server 0.00892; 1000 Genomes Project 30x 0.00968.
gnomAD v4.1: 2,391 of 1,612,138 alleles (0.15%); highest among the groups gnomAD compares: African/African-American, 2.8%; 27 homozygotes.

Submissions (7):

Labcorp Genetics (formerly Invitae), Labcorp
Classification: Benign for Neuronopathy, distal hereditary motor, autosomal recessive 4; Charcot-Marie-Tooth disease recessive intermediate C. Last evaluated: 2026-02-04. Review status: criteria provided, single submitter. Criteria: Invitae Variant Classification Sherloc (09022015). Collection method: clinical testing. Allele origin: germline.

ARUP Laboratories, Molecular Genetics and Genomics, ARUP Laboratories
Classification: Benign. Last evaluated: 2023-10-16. Review status: criteria provided, single submitter. Criteria: ARUP Molecular Germline Variant Investigation Process 2024. Collection method: clinical testing. Allele origin: germline.

Ambry Genetics
Classification: Likely benign for Inborn genetic diseases. Last evaluated: 2019-07-11. Review status: criteria provided, single submitter. Criteria: Ambry Variant Classification Scheme 2023. Collection method: clinical testing. Allele origin: germline.

Illumina Laboratory Services, Illumina
Classification: Benign for Neuronopathy, distal hereditary motor, autosomal recessive 4. Last evaluated: 2018-01-13. Review status: criteria provided, single submitter. Criteria: ICSL Variant Classification Criteria 13 December 2019. Collection method: clinical testing. Allele origin: germline.
Comment: This variant was observed in the ICSL laboratory as part of a predisposition screen in an ostensibly healthy population. It had not been previously curated by ICSL or reported in the Human Gene Mutation Database (HGMD: prior to June 1st, 2018), and was therefore a candidate for classification through an automated scoring system. Utilizing variant allele frequency, disease prevalence and penetrance estimates, and inheritance mode, an automated score was calculated to assess if this variant is too frequent to cause the disease. Based on the score and internal cut-off values, a variant classified as benign is not then subjected to further curation. The score for this variant resulted in a classification of benign for this disease.

Mayo Clinic Laboratories, Mayo Clinic
Classification: Benign. Last evaluated: 2017-06-15. Review status: criteria provided, single submitter. Criteria: ACMG Guidelines, 2015. Collection method: clinical testing. Allele origin: germline. Observed: 8 variant alleles.

GeneDx
Classification: Benign. Last evaluated: 2015-12-04. Review status: criteria provided, single submitter. Criteria: GeneDx Variant Classification (06012015). Collection method: clinical testing. Allele origin: germline. Affected: yes.
Comment: This variant is considered likely benign or benign based on one or more of the following criteria: it is a conservative change, it occurs at a poorly conserved position in the protein, it is predicted to be benign by multiple in silico algorithms, and/or has population frequency not consistent with disease.

Breakthrough Genomics
Classification: Benign. Review status: criteria provided, single submitter. Criteria: ACMG Guidelines, 2015. Collection method: not provided. Allele origin: germline. Inheritance: Autosomal recessive inheritance. Affected: yes.